The following is an entry in ClinVar:

ClinVar aggregate classification (germline): Conflicting classifications of pathogenicity. Review status: criteria provided, conflicting classifications (1 of 4 stars). 3 submissions from 3 submitters: Uncertain significance (2); Likely benign (1). Last evaluated 2024-04-24.

Conditions:
Pfeiffer syndrome (ACS5). Also called: ACS V. Identifiers: Orphanet 710, MedGen C0220658, MONDO:0007043, OMIM 101600.
Hypogonadotropic hypogonadism 2 with or without anosmia (HH2). Also called: HYPOGONADOTROPIC HYPOGONADISM 2 WITHOUT ANOSMIA; FGFR1-Related GnRH Deficiency (Kallmann Syndrome 2); HYPOGONADOTROPIC HYPOGONADISM 2 WITH OR WITHOUT ANOSMIA, SUSCEPTIBILITY TO; HYPOGONADOTROPIC HYPOGONADISM 2 WITHOUT ANOSMIA, SUSCEPTIBILITY TO. Identifiers: Orphanet 478, MedGen C1563720, MONDO:0007844, OMIM 147950. Disease mechanism: loss of function.
Hartsfield-Bixler-Demyer syndrome (HRTFDS). Also called: Hartsfield syndrome; FGFR1-Related Hartsfield Syndrome; Holoprosencephaly, ectrodactyly, and bilateral cleft lip/palate. Identifiers: Orphanet 2117, MedGen C1845146, MONDO:0014196, OMIM 615465. Disease mechanism: loss of function.
Trigonocephaly 1 (TRIGNO1). Identifiers: Orphanet 3366, MedGen C0432122, MONDO:0008603, OMIM 190440.
Jackson-Weiss syndrome (JWS). Also called: CRANIOSYNOSTOSIS, MIDFACIAL HYPOPLASIA, AND FOOT ABNORMALITIES. Identifiers: Orphanet 1540, MedGen C0795998, MONDO:0007400, OMIM 123150. Disease mechanism: loss of function.
Osteoglophonic dysplasia (OGD). Also called: Osteoglophonic dwarfism. Identifiers: Orphanet 2645, MedGen C0432283, MONDO:0008150, OMIM 166250.
Encephalocraniocutaneous lipomatosis (ECCL). Identifiers: Orphanet 2396, MedGen C0406612, MONDO:0013074, OMIM 613001.

Allele frequency attached by ClinVar (database versions not stated): gnomAD exomes below 0.00001; ExAC 0.00001.
gnomAD v4.1: 2 of 1,612,598 alleles (0.00012%); highest among the groups gnomAD compares: Admixed American, 0.0017%; no homozygotes.

Submissions (3):

GeneDx
Classification: Uncertain significance. Last evaluated: 2024-04-24. Review status: criteria provided, single submitter. Criteria: GeneDx Variant Classification Process June 2021. Collection method: clinical testing. Allele origin: germline. Affected: yes.
Comment: In silico analysis indicates that this variant does not alter splicing; Has not been previously published as pathogenic or benign to our knowledge

Fulgent Genetics
Classification: Uncertain significance for Pfeiffer syndrome; Jackson-Weiss syndrome; Hypogonadotropic hypogonadism 2 with or without anosmia; Osteoglophonic dysplasia; Trigonocephaly 1; Encephalocraniocutaneous lipomatosis; Hartsfield-Bixler-Demyer syndrome. Last evaluated: 2024-03-24. Review status: criteria provided, single submitter. Criteria: ACMG Guidelines, 2015. Collection method: clinical testing. Allele origin: germline.

Labcorp Genetics (formerly Invitae), Labcorp
Classification: Likely benign for Pfeiffer syndrome; Hypogonadotropic hypogonadism 2 with or without anosmia. Last evaluated: 2019-10-15. Review status: criteria provided, single submitter. Criteria: Invitae Variant Classification Sherloc (09022015). Collection method: clinical testing. Allele origin: germline.

NM_023110.3(FGFR1):c.789C>T (p.Ala263=)

Gene: FGFR1 (fibroblast growth factor receptor 1; minus strand). Cytogenetic location: 8p11.23.
Variant type: single nucleotide variant.
Coding change: c.789C>T on transcript NM_023110.3 (MANE Select); coding-DNA position 789, C replaced by T.
Protein change: p.Ala263=; no amino-acid change (alanine 263 retained).
Molecular consequence: synonymous variant.
Genome position (GRCh38, 1-based): chr8:38,424,656, G>A on the plus strand (C>T on the coding strand, the complement: FGFR1 is on the minus strand). VCF-style: chr8-38424656-G-A. GRCh37 (hg19) VCF-style: chr8-38282174-G-A.
Other names: c.789C>T, p.Ala263= (NM_001174063.2); c.765C>T, p.Ala255= (NM_001174064.2); c.783C>T, p.Ala261= (NM_001174065.2, NM_001354367.2, NM_001354369.2 and 1 more transcripts); c.522C>T, p.Ala174= (NM_001174066.2, NM_023105.3); c.882C>T, p.Ala294= (NM_001174067.2); c.516C>T, p.Ala172= (NM_001354368.2, NM_001354370.2, NM_023106.3); c.789C>T (NM_023110.2).
Identifiers: ClinVar variation 1156684 (VCV001156684.9), dbSNP rs780944776, ClinGen allele CA4718640.